The following is an entry in ClinVar:

ClinVar aggregate classification (germline): Uncertain significance. Review status: criteria provided, multiple submitters, no conflicts (2 of 4 stars). 3 submissions from 3 submitters: Uncertain significance (3). Last evaluated 2025-05-19.

Conditions:
Dilated cardiomyopathy 1GG (CMD1GG). Identifiers: Orphanet 154, MedGen C3150898, MONDO:0013339, OMIM 613642.
Hereditary cancer-predisposing syndrome. Also called: Hereditary Cancer Syndrome; Neoplastic Syndromes, Hereditary; Tumor predisposition; Hereditary neoplastic syndrome. Identifiers: Orphanet 140162, MedGen C0027672, MeSH D009386, MONDO:0015356.
Mitochondrial complex II deficiency, nuclear type 1. Also called: SUCCINATE CoQ REDUCTASE DEFICIENCY. Identifiers: Orphanet 3208, MedGen C5700310, MONDO:0100294, OMIM 252011.
Pheochromocytoma/paraganglioma syndrome 5. Also called: Paragangliomas 5; SDHA-Related Hereditary Paraganglioma-Pheochromocytoma Syndrome. Identifiers: Orphanet 29072, MedGen C3279992, MONDO:0013602, OMIM 614165.

Submissions (3):

Ambry Genetics
Classification: Uncertain significance for Hereditary cancer-predisposing syndrome. Last evaluated: 2025-05-19. Review status: criteria provided, single submitter. Criteria: Ambry Variant Classification Scheme 2023. Collection method: clinical testing. Allele origin: germline.
Comment: The p.G535A variant (also known as c.1604G>C), located in coding exon 12 of the SDHA gene, results from a G to C substitution at nucleotide position 1604. The glycine at codon 535 is replaced by alanine, an amino acid with similar properties. This amino acid position is conserved. In addition, the in silico prediction for this alteration is inconclusive. Based on the available evidence, the clinical significance of this variant remains unclear.

Labcorp Genetics (formerly Invitae), Labcorp
Classification: Uncertain significance for Pheochromocytoma/paraganglioma syndrome 5; Mitochondrial complex II deficiency, nuclear type 1. Last evaluated: 2023-07-10. Review status: criteria provided, single submitter. Criteria: Invitae Variant Classification Sherloc (09022015). Collection method: clinical testing. Allele origin: germline.
Comment: In summary, the available evidence is currently insufficient to determine the role of this variant in disease. Therefore, it has been classified as a Variant of Uncertain Significance. Advanced modeling of protein sequence and biophysical properties (such as structural, functional, and spatial information, amino acid conservation, physicochemical variation, residue mobility, and thermodynamic stability) performed at Invitae indicates that this missense variant is not expected to disrupt SDHA protein function. ClinVar contains an entry for this variant (Variation ID: 959390). This variant has not been reported in the literature in individuals affected with SDHA-related conditions. This variant is not present in population databases (gnomAD no frequency). This sequence change replaces glycine, which is neutral and non-polar, with alanine, which is neutral and non-polar, at codon 535 of the SDHA protein (p.Gly535Ala).

Baylor Genetics
Classification: Uncertain significance for Dilated cardiomyopathy 1GG. Last evaluated: 2023-06-27. Review status: criteria provided, single submitter. Criteria: ACMG Guidelines, 2015. Collection method: clinical testing. Allele origin: unknown.

NM_004168.4(SDHA):c.1604G>C (p.Gly535Ala)

Gene: SDHA (succinate dehydrogenase complex flavoprotein subunit A; plus strand). Cytogenetic location: 5p15.33.
Variant type: single nucleotide variant.
Coding change: c.1604G>C on transcript NM_004168.4 (MANE Select); coding-DNA position 1604, G replaced by C.
Protein change: p.Gly535Ala; replaces glycine 535 with alanine.
Molecular consequence: missense variant. On other transcripts: intron variant (1).
Genome position (GRCh38, 1-based): chr5:251,044, G>C. VCF-style: chr5-251044-G-C. GRCh37 (hg19) VCF-style: chr5-251159-G-C.
Other names: c.1460G>C, p.Gly487Ala (NM_001294332.2); c.1552-3349G>C (NM_001330758.2); c.1604G>C (NM_004168.2); short protein forms G535A, G487A.
Identifiers: ClinVar variation 959390 (VCV000959390.12), dbSNP rs1736789524, ClinGen allele CA358998541.